The following is an entry in ClinVar:

NM_000701.8(ATP1A1):c.2757C>T (p.His919=)

Genes: ATP1A1 (ATPase Na+/K+ transporting subunit alpha 1; plus strand), ATP1A1-AS1 (ATP1A1 antisense RNA 1; minus strand). Cytogenetic location: 1p13.1.
Variant type: single nucleotide variant.
Coding change: c.2757C>T on transcript NM_000701.8 (MANE Select); coding-DNA position 2757, C replaced by T.
Protein change: p.His919=; no amino-acid change (histidine 919 retained).
Molecular consequence: synonymous variant.
Genome position (GRCh38, 1-based): chr1:116,401,168, C>T. VCF-style: chr1-116401168-C-T. GRCh37 (hg19) VCF-style: chr1-116943790-C-T.
Other names: c.2757C>T, p.His919= (NM_001160233.2); c.2664C>T, p.His888= (NM_001160234.2).
Identifiers: ClinVar variation 2967692 (VCV002967692.19), dbSNP rs757162609, ClinGen allele CA1025634.

ClinVar aggregate classification (germline): Likely benign. Review status: criteria provided, multiple submitters, no conflicts (2 of 4 stars). 2 submissions from 2 submitters: Likely benign (2). Last evaluated 2026-01-19.

Allele frequency attached by ClinVar (database versions not stated): gnomAD 0.00001; gnomAD exomes 0.00001; ExAC 0.00002; TOPMed 0.00002.

Submissions (2):

Labcorp Genetics (formerly Invitae), Labcorp
Classification: Likely benign. Last evaluated: 2026-01-19. Review status: criteria provided, single submitter. Criteria: Invitae Variant Classification Sherloc (09022015). Collection method: clinical testing. Allele origin: germline.

CeGaT Center for Human Genetics Tuebingen
Classification: Likely benign. Last evaluated: 2024-09-01. Review status: criteria provided, single submitter. Criteria: CeGaT Center For Human Genetics Tuebingen Variant Classification Criteria Version 2. Collection method: clinical testing. Allele origin: germline. Affected: yes. Observed: 1 variant allele.
Comment: ATP1A1: BP4, BP7